The following is an entry in ClinVar:

ClinVar aggregate classification (germline): Uncertain significance (1 of 4 stars; one submission).

Conditions:
Fanconi anemia complementation group J. Also called: BRIP1-Related Fanconi Anemia. Identifiers: Orphanet 84, MedGen C1836860, MONDO:0012187, OMIM 609054.
Familial cancer of breast. Also called: BREAST CANCER, FAMILIAL; Hereditary breast cancer; hereditary breast carcinoma. Identifiers: Orphanet 227535, MedGen C0346153, MONDO:0016419, OMIM 114480. Disease mechanism: loss of function.

Submission:

Labcorp Genetics (formerly Invitae), Labcorp
Classification: Uncertain significance for Familial cancer of breast; Fanconi anemia complementation group J. Last evaluated: 2023-06-16. Review status: criteria provided, single submitter. Criteria: Invitae Variant Classification Sherloc (09022015). Collection method: clinical testing. Allele origin: germline.
Comment: In summary, the available evidence is currently insufficient to determine the role of this variant in disease. Therefore, it has been classified as a Variant of Uncertain Significance. An algorithm developed to predict the effect of missense changes on protein structure and function (PolyPhen-2) suggests that this variant is likely to be disruptive. This variant has not been reported in the literature in individuals affected with BRIP1-related conditions. This variant is not present in population databases (gnomAD no frequency). This sequence change replaces alanine, which is neutral and non-polar, with threonine, which is neutral and polar, at codon 599 of the BRIP1 protein (p.Ala599Thr).

NM_032043.3(BRIP1):c.1795G>A (p.Ala599Thr)

Gene: BRIP1 (BRCA1 interacting DNA helicase 1; minus strand). Cytogenetic location: 17q23.2.
Variant type: single nucleotide variant.
Coding change: c.1795G>A on transcript NM_032043.3 (MANE Select); coding-DNA position 1795, G replaced by A.
Protein change: p.Ala599Thr; replaces alanine 599 with threonine.
Molecular consequence: missense variant.
Genome position (GRCh38, 1-based): chr17:61,780,401, C>T on the plus strand (G>A on the coding strand, the complement: BRIP1 is on the minus strand). VCF-style: chr17-61780401-C-T. GRCh37 (hg19) VCF-style: chr17-59857762-C-T.
Other names: short protein forms A599T.
Identifiers: ClinVar variation 2937983 (VCV002937983.3), dbSNP rs2145081985, ClinGen allele CA400480234.
Genomic context (GRCh38, chr17:61,780,401, plus strand): 5'-GTGATAATGTACCAGATGTCAAAACAATGGTCTGAACTTTGCCATTAATATCTGAAAAGG[C>T]CTAAAAGAAAACAACATTAGATAAATAAAATTATCTTTAGAAGAGGCTGGGCAAAGTGGC-3'
Protein context (NP_114432.2, residues 589-609): LNFWCLNPAV[Ala599Thr]FSDINGKVQT